The following is an entry in ClinVar:

NM_006236.3(POU3F3):c.723C>T (p.Gly241=)

Gene: POU3F3 (POU class 3 homeobox 3; plus strand). Cytogenetic location: 2q12.1.
Variant type: single nucleotide variant.
Coding change: c.723C>T on transcript NM_006236.3 (MANE Select); coding-DNA position 723, C replaced by T.
Protein change: p.Gly241=; no amino-acid change (glycine 241 retained).
Molecular consequence: synonymous variant.
Genome position (GRCh38, 1-based): chr2:104,856,233, C>T. VCF-style: chr2-104856233-C-T. GRCh37 (hg19) VCF-style: chr2-105472691-C-T.
Identifiers: ClinVar variation 3388691 (VCV003388691.14).

ClinVar aggregate classification (germline): Likely benign (1 of 4 stars; one submission).

gnomAD v4.1: 1 of 1,269,904 alleles (0.000079%); highest among the groups gnomAD compares: Non-Finnish European, 0.000098%; no homozygotes.

Submission:

CeGaT Center for Human Genetics Tuebingen
Classification: Likely benign. Last evaluated: 2024-09-01. Review status: criteria provided, single submitter. Criteria: CeGaT Center For Human Genetics Tuebingen Variant Classification Criteria Version 2. Collection method: clinical testing. Allele origin: germline. Affected: yes. Observed: 1 variant allele.
Comment: POU3F3: BP4, BP7